The following is an entry in ClinVar:

ClinVar aggregate classification (germline): Uncertain significance. Review status: criteria provided, multiple submitters, no conflicts (2 of 4 stars). 4 submissions from 4 submitters: Uncertain significance (3). 1 of the submissions does not count toward it. Last evaluated 2025-12-01.

Conditions:
Autosomal recessive osteopetrosis 1. Also called: ALBERS-SCHONBERG DISEASE, AUTOSOMAL RECESSIVE; TCIRG1-Related Osteopetrosis; TCIRG1-Related Autosomal Recessive Osteopetrosis. Identifiers: Orphanet 667, MedGen C1850127, MONDO:0009815, OMIM 259700.

Allele frequency attached by ClinVar (database versions not stated): TOPMed 0.00003; gnomAD 0.00008 and 0.00009; ExAC 0.00011; 1000 Genomes Project 30x 0.00016; 1000 Genomes Project 0.00020.
gnomAD v4.1: 175 of 1,577,456 alleles (0.011%); highest among the groups gnomAD compares: Middle Eastern, 0.022%; no homozygotes.

Submissions (4):

Labcorp Genetics (formerly Invitae), Labcorp
Classification: Uncertain significance. Last evaluated: 2025-12-01. Review status: criteria provided, single submitter. Criteria: Invitae Variant Classification Sherloc (09022015). Collection method: clinical testing. Allele origin: germline.
Comment: This sequence change replaces arginine, which is basic and polar, with cysteine, which is neutral and slightly polar, at codon 660 of the TCIRG1 protein (p.Arg660Cys). This variant is present in population databases (rs528045019, gnomAD 0.01%). This variant has not been reported in the literature in individuals affected with TCIRG1-related conditions. ClinVar contains an entry for this variant (Variation ID: 1065118). Invitae Evidence Modeling of protein sequence and biophysical properties (such as structural, functional, and spatial information, amino acid conservation, physicochemical variation, residue mobility, and thermodynamic stability) indicates that this missense variant is not expected to disrupt TCIRG1 protein function with a negative predictive value of 80%. In summary, the available evidence is currently insufficient to determine the role of this variant in disease. Therefore, it has been classified as a Variant of Uncertain Significance.

Fulgent Genetics
Classification: Uncertain significance for Autosomal recessive osteopetrosis 1. Last evaluated: 2022-03-30. Review status: criteria provided, single submitter. Criteria: ACMG Guidelines, 2015. Collection method: clinical testing. Allele origin: unknown.

Breakthrough Genomics
Classification: Uncertain significance. Review status: criteria provided, single submitter. Criteria: ACMG Guidelines, 2015. Collection method: not provided. Allele origin: germline. Inheritance: Autosomal recessive inheritance. Affected: yes.

Hereditary Research Laboratory, Bethlehem University
Classification: Uncertain significance for Autosomal recessive osteopetrosis 1. Last evaluated: 2021-04-23. Review status: no assertion criteria provided. Collection method: clinical testing. Allele origin: germline. Affected: yes. Not counted in ClinVar's aggregate classification.

NM_006019.4(TCIRG1):c.1978C>T (p.Arg660Cys)

Gene: TCIRG1 (T cell immune regulator 1, ATPase H+ transporting V0 subunit a3; plus strand). Cytogenetic location: 11q13.2.
Variant type: single nucleotide variant.
Coding change: c.1978C>T on transcript NM_006019.4 (MANE Select); coding-DNA position 1978, C replaced by T.
Protein change: p.Arg660Cys; replaces arginine 660 with cysteine.
Molecular consequence: missense variant.
Genome position (GRCh38, 1-based): chr11:68,049,753, C>T. VCF-style: chr11-68049753-C-T. GRCh37 (hg19) VCF-style: chr11-67817220-C-T.
Other names: c.1084C>T, p.Arg362Cys (NM_001351059.2); c.1330C>T, p.Arg444Cys (NM_006053.4); short protein forms R362C, R444C, R660C.
Identifiers: ClinVar variation 1065118 (VCV001065118.7), dbSNP rs528045019, ClinGen allele CA6147335.